The following is an entry in ClinVar:

ClinVar aggregate classification (germline): Uncertain significance. Review status: criteria provided, multiple submitters, no conflicts (2 of 4 stars). 4 submissions from 4 submitters: Uncertain significance (3). 1 of the submissions does not count toward it. Last evaluated 2022-07-06.

Conditions:
Intellectual disability, X-linked 49 (MRXSRC). Also called: MENTAL RETARDATION, X-LINKED 15; MRX49; CLCN4-Related Neurodevelopmental Disorder; CLCN4-related X-linked intellectual disability syndrome; RAYNAUD-CLAES SYNDROME. Identifiers: Orphanet 485350, Orphanet 777, MedGen C0796221, MONDO:0010250, OMIM 300114.

Allele frequency attached by ClinVar (database versions not stated): gnomAD 0.00001; gnomAD exomes 0.00001.
gnomAD v4.1: 8 of 1,209,639 alleles (0.00066%); highest among the groups gnomAD compares: African/African-American, 0.0053%; no homozygotes.

Submissions (4):

Labcorp Genetics (formerly Invitae), Labcorp
Classification: Uncertain significance. Last evaluated: 2022-07-06. Review status: criteria provided, single submitter. Criteria: Invitae Variant Classification Sherloc (09022015). Collection method: clinical testing. Allele origin: germline.
Comment: This sequence change replaces proline, which is neutral and non-polar, with leucine, which is neutral and non-polar, at codon 684 of the CLCN4 protein (p.Pro684Leu). In summary, the available evidence is currently insufficient to determine the role of this variant in disease. Therefore, it has been classified as a Variant of Uncertain Significance. Algorithms developed to predict the effect of missense changes on protein structure and function (SIFT, PolyPhen-2, Align-GVGD) all suggest that this variant is likely to be tolerated. ClinVar contains an entry for this variant (Variation ID: 827824). This variant has not been reported in the literature in individuals affected with CLCN4-related conditions. This variant is present in population databases (no rsID available, gnomAD 0.005%), including at least one homozygous and/or hemizygous individual.

Victorian Clinical Genetics Services, Murdoch Childrens Research Institute
Classification: Uncertain significance for Intellectual disability, X-linked 49. Last evaluated: 2021-05-06. Review status: criteria provided, single submitter. Criteria: ACMG Guidelines, 2015. Collection method: clinical testing. Allele origin: germline. Inheritance: X-linked dominant inheritance.
Comment: Based on the classification scheme VCGS_Germline_v1.3.4, this variant is classified as VUS-3B. Following criteria are met: 0102 - Loss of function is a known mechanism of disease in this gene and is associated with Raynaud-Claes syndrome (MIM#300114). (I) 0110 - This gene is associated with X-linked dominant disease. (OMIM, PMID: 27550844). (I) 0115 - Variants in this gene are known to have variable expressivity. (PMID: 27550844). (I) 0200 - Variant is predicted to result in a missense amino acid change from proline to leucine. (I) 0251 - This variant is heterozygous. (I) 0302 - Variant is present in gnomAD <0.001 for a dominant condition (v2: 1 heterozygote, 0 homozygotes, 0 hemizygotes) (v3: 0 heterozygote, 0 homozygotes, 1 hemizygote). (SP) 0502 - Missense variant with conflicting in silico predictions and uninformative conservation. (I) 0604 - Variant is not located in an established domain, motif, hotspot or informative constraint region (PDB). (I) 0705 - No comparable missense variants have previous evidence for pathogenicity. (I) 0803 - This variant has limited previous evidence of pathogenicity in an individual (ClinVar). (SP) 0905 - No published segregation evidence has been identified for this variant. (I) 1007 - No published functional evidence has been identified for this variant. (I)

GeneDx
Classification: Uncertain significance. Last evaluated: 2019-09-25. Review status: criteria provided, single submitter. Criteria: GeneDx Variant Classification Process June 2021. Collection method: clinical testing. Allele origin: germline. Affected: yes.
Comment: In silico analysis, which includes protein predictors and evolutionary conservation, supports a deleterious effect; Has not been previously published as pathogenic or benign to our knowledge

Equipe Genetique des Anomalies du Developpement, Université de Bourgogne
Classification: Uncertain significance for Intellectual disability, X-linked 49. Last evaluated: 2022-10-21. Review status: no assertion criteria provided. Criteria: ACMG Guidelines, 2015. Collection method: clinical testing. Allele origin: maternal. Inheritance: X-linked inheritance. Affected: yes. Not counted in ClinVar's aggregate classification.

Literature cited by the submitters: PubMed 27550844 (cited by Victorian Clinical Genetics Services, Murdoch Childrens Research Institute).

NM_001830.4(CLCN4):c.2051C>T (p.Pro684Leu)

Gene: CLCN4 (Cl-/H+ antiporter 4; plus strand). Cytogenetic location: Xp22.2.
Variant type: single nucleotide variant.
Coding change: c.2051C>T on transcript NM_001830.4 (MANE Select); coding-DNA position 2051, C replaced by T.
Protein change: p.Pro684Leu; replaces proline 684 with leucine.
Molecular consequence: missense variant.
Genome position (GRCh38, 1-based): chrX:10,220,736, C>T. VCF-style: chrX-10220736-C-T. GRCh37 (hg19) VCF-style: chrX-10188776-C-T.
Other names: c.1769C>T, p.Pro590Leu (NM_001256944.2); short protein forms P590L, P684L.
Identifiers: ClinVar variation 827824 (VCV000827824.11), dbSNP rs1246068842, ClinGen allele CA412044425.